The following is an entry in ClinVar:

NM_207421.4(PADI6):c.1183-9C>A

Genes: PADI6 (peptidyl arginine deiminase 6; plus strand), LOC126805635 (BRD4-independent group 4 enhancer GRCh37_chr1:17720217-17721416; plus strand). Cytogenetic location: 1p36.13.
Variant type: single nucleotide variant.
Coding change: c.1183-9C>A on transcript NM_207421.4 (MANE Select); 9 bases into the intron before coding-DNA position 1183, C replaced by A.
Molecular consequence: intron variant.
Genome position (GRCh38, 1-based): chr1:17,394,291, C>A. VCF-style: chr1-17394291-C-A. GRCh37 (hg19) VCF-style: chr1-17720787-C-A.
Identifiers: ClinVar variation 3036080 (VCV003036080.2), dbSNP rs767987621, ClinGen allele CA641680.

ClinVar aggregate classification (germline): Likely benign (0 of 4 stars; one submission).

Conditions:
PADI6-related disorder. Also called: PADI6-related condition.

gnomAD v4.1: 178 of 1,611,128 alleles (0.011%); highest among the groups gnomAD compares: Non-Finnish European, 0.014%; no homozygotes.

Submission:

PreventionGenetics, part of Exact Sciences
Classification: Likely benign for PADI6-related condition. Last evaluated: 2020-12-21. Review status: no assertion criteria provided. Collection method: clinical testing. Allele origin: germline.
Comment: This variant is classified as likely benign based on ACMG/AMP sequence variant interpretation guidelines (Richards et al. 2015 PMID: 25741868, with internal and published modifications).